The following is an entry in ClinVar:

NM_001012301.4(ARSI):c.1402A>G (p.Ser468Gly)

Gene: ARSI (arylsulfatase family member I; minus strand). Cytogenetic location: 5q32.
Variant type: single nucleotide variant.
Coding change: c.1402A>G on transcript NM_001012301.4 (MANE Select); coding-DNA position 1402, A replaced by G.
Protein change: p.Ser468Gly; replaces serine 468 with glycine.
Molecular consequence: missense variant.
Genome position (GRCh38, 1-based): chr5:150,297,522, T>C on the plus strand (A>G on the coding strand, the complement: ARSI is on the minus strand). VCF-style: chr5-150297522-T-C. GRCh37 (hg19) VCF-style: chr5-149677085-T-C.
Other names: short protein forms S468G.
Identifiers: ClinVar variation 4701784 (VCV004701784.1).
Genomic context (GRCh38, chr5:150,297,522, plus strand): 5'-GGGTGCGGACCACATCAGGCCGCTGGCCAGCCAGGTCCTCCCGTTCATAAGGGTCAGCAC[T>C]GATGTTGAAGAGCCACACGGCCTGGCGGACACTGGCCATTCGTTCCAGGTTCCACCAGCT-3'
Protein context (NP_001012301.1, residues 458-478): VRQAVWLFNI[Ser468Gly]ADPYEREDLA

ClinVar aggregate classification (germline): Uncertain significance (1 of 4 stars; one submission).

Conditions:
Spastic paraplegia. Identifiers: MedGen C0037772, HP:0001258.

Submission:

Labcorp Genetics (formerly Invitae), Labcorp
Classification: Uncertain significance for Spastic paraplegia. Last evaluated: 2025-08-22. Review status: criteria provided, single submitter. Criteria: Invitae Variant Classification Sherloc (09022015). Collection method: clinical testing. Allele origin: germline.
Comment: This sequence change replaces serine, which is neutral and polar, with glycine, which is neutral and non-polar, at codon 468 of the ARSI protein (p.Ser468Gly). This variant is present in population databases (rs767108335, gnomAD 0.02%). This variant has not been reported in the literature in individuals affected with ARSI-related conditions. Invitae Evidence Modeling of protein sequence and biophysical properties (such as structural, functional, and spatial information, amino acid conservation, physicochemical variation, residue mobility, and thermodynamic stability) indicates that this missense variant is not expected to disrupt ARSI protein function with a negative predictive value of 80%. In summary, the available evidence is currently insufficient to determine the role of this variant in disease. Therefore, it has been classified as a Variant of Uncertain Significance.